The following is an entry in ClinVar:

NM_007294.4(BRCA1):c.5003T>G (p.Phe1668Cys)

Gene: BRCA1 (BRCA1 DNA repair associated; minus strand). Cytogenetic location: 17q21.31.
Variant type: single nucleotide variant.
Coding change: c.5003T>G on transcript NM_007294.4 (MANE Select); coding-DNA position 5003, T replaced by G.
Protein change: p.Phe1668Cys; replaces phenylalanine 1668 with cysteine.
Molecular consequence: missense variant. On other transcripts: non-coding transcript variant (1).
Genome position (GRCh38, 1-based): chr17:43,067,679, A>C on the plus strand (T>G on the coding strand, the complement: BRCA1 is on the minus strand). VCF-style: chr17-43067679-A-C. GRCh37 (hg19) VCF-style: chr17-41219696-A-C.
Other names: c.4616T>G, p.Phe1539Cys (NM_001407963.1); c.4541T>G, p.Phe1514Cys (NM_001407964.1); c.4496T>G, p.Phe1499Cys (NM_001407965.1); c.4115T>G, p.Phe1372Cys (NM_001407966.1); c.4112T>G, p.Phe1371Cys (NM_001407967.1); c.1694T>G, p.Phe565Cys (NM_001407978.1, NM_001407973.1, NM_001407974.1 and 3 more transcripts); c.1691T>G, p.Phe564Cys (NM_001407979.1, NM_001407980.1, NM_001407981.1 and 13 more transcripts); c.1688T>G, p.Phe563Cys (NM_001408401.1, NM_001408402.1, NM_001408403.1 and 8 more transcripts); and 70 more; short protein forms F1668C, F564C, F1621C, F1689C, F1499C, F1540C, F1556C, F1579C.
Identifiers: ClinVar variation 631339 (VCV000631339.6), dbSNP rs1567772408, ClinGen allele CA10591512.

ClinVar aggregate classification (germline): Uncertain significance (1 of 4 stars; one submission).

Conditions:
Hereditary cancer-predisposing syndrome. Also called: Hereditary neoplastic syndrome; Tumor predisposition; Hereditary Cancer Syndrome; Neoplastic Syndromes, Hereditary. Identifiers: Orphanet 140162, MedGen C0027672, MeSH D009386, MONDO:0015356.

Submissions (2):

Color Diagnostics, LLC DBA Color Health
Classification: Uncertain significance for Hereditary cancer-predisposing syndrome. Last evaluated: 2019-02-15. Review status: criteria provided, single submitter. Criteria: ACMG Guidelines, 2015. Collection method: clinical testing. Allele origin: germline.

Brotman Baty Institute, University of Washington
No classification provided (evidence only). Condition: Breast-ovarian cancer, familial 1. Review status: no classification provided. Collection method: in vitro. Allele origin: not applicable. Functional consequence: functionally_normal. Not counted in ClinVar's aggregate classification.
ClinVar note: "not provided" was previously submitted as the classification for the variant. However, the classification appeared to be based only on an observation of functional data so it was converted to no classification on 2025-07-30.